The following is an entry in ClinVar:

NM_015047.3(EMC1):c.2837G>A (p.Arg946Gln)

Genes: EMC1 (ER membrane protein complex subunit 1; minus strand), EMC1-AS1 (EMC1 antisense RNA 1; plus strand). Cytogenetic location: 1p36.13.
Variant type: single nucleotide variant.
Coding change: c.2837G>A on transcript NM_015047.3 (MANE Select); coding-DNA position 2837, G replaced by A.
Protein change: p.Arg946Gln; replaces arginine 946 with glutamine.
Molecular consequence: missense variant.
Genome position (GRCh38, 1-based): chr1:19,219,448, C>T on the plus strand (G>A on the coding strand, the complement: EMC1 is on the minus strand). VCF-style: chr1-19219448-C-T. GRCh37 (hg19) VCF-style: chr1-19545942-C-T.
Other names: c.2834G>A, p.Arg945Gln (NM_001271427.2, NM_001271428.2); c.2771G>A, p.Arg924Gln (NM_001271429.2); c.2846G>A, p.Arg949Gln (NM_001375820.1); c.2843G>A, p.Arg948Gln (NM_001375821.1); c.2837G>A (NM_015047.1); short protein forms R945Q, R924Q, R946Q, R949Q, R948Q.
Identifiers: ClinVar variation 1476375 (VCV001476375.7), dbSNP rs374448290, ClinGen allele CA18808122.

ClinVar aggregate classification (germline): Uncertain significance. Review status: criteria provided, multiple submitters, no conflicts (2 of 4 stars). 2 submissions from 2 submitters: Uncertain significance (2). Last evaluated 2025-01-17.

Conditions:
Inborn genetic diseases. Identifiers: MedGen C0950123, MeSH D030342.

Allele frequency attached by ClinVar (database versions not stated): gnomAD exomes 0.00001; ESP Exome Variant Server 0.00008.
gnomAD v4.1: 10 of 1,613,804 alleles (0.00062%); highest among the groups gnomAD compares: East Asian, 0.0022%; no homozygotes.

Submissions (2):

Ambry Genetics
Classification: Uncertain significance for Inborn genetic diseases. Last evaluated: 2025-01-17. Review status: criteria provided, single submitter. Criteria: Ambry Variant Classification Scheme 2023. Collection method: clinical testing. Allele origin: germline.

Labcorp Genetics (formerly Invitae), Labcorp
Classification: Uncertain significance. Last evaluated: 2024-09-01. Review status: criteria provided, single submitter. Criteria: Invitae Variant Classification Sherloc (09022015). Collection method: clinical testing. Allele origin: germline.
Comment: This sequence change replaces arginine, which is basic and polar, with glutamine, which is neutral and polar, at codon 946 of the EMC1 protein (p.Arg946Gln). This variant is present in population databases (rs374448290, gnomAD 0.006%). This variant has not been reported in the literature in individuals affected with EMC1-related conditions. ClinVar contains an entry for this variant (Variation ID: 1476375). Invitae Evidence Modeling of protein sequence and biophysical properties (such as structural, functional, and spatial information, amino acid conservation, physicochemical variation, residue mobility, and thermodynamic stability) has been performed for this missense variant. However, the output from this modeling did not meet the statistical confidence thresholds required to predict the impact of this variant on EMC1 protein function. In summary, the available evidence is currently insufficient to determine the role of this variant in disease. Therefore, it has been classified as a Variant of Uncertain Significance.